The following is an entry in ClinVar:

ClinVar aggregate classification (germline): Uncertain significance. Review status: criteria provided, multiple submitters, no conflicts (2 of 4 stars). 2 submissions from 2 submitters: Uncertain significance (2). Last evaluated 2025-07-05.

Conditions:
Hereditary cancer-predisposing syndrome. Also called: Hereditary Cancer Syndrome; Tumor predisposition; Hereditary neoplastic syndrome; Neoplastic Syndromes, Hereditary. Identifiers: Orphanet 140162, MedGen C0027672, MeSH D009386, MONDO:0015356.
Bloom syndrome (BLM). Also called: Bloom-Torre-Machacek syndrome. Identifiers: Orphanet 125, MedGen C0005859, MONDO:0008876, OMIM 210900.

Submissions (2):

Ambry Genetics
Classification: Uncertain significance for Hereditary cancer-predisposing syndrome. Last evaluated: 2025-07-05. Review status: criteria provided, single submitter. Criteria: Ambry Variant Classification Scheme 2023. Collection method: clinical testing. Allele origin: germline.
Comment: The p.F686L variant (also known as c.2056T>C), located in coding exon 7 of the BLM gene, results from a T to C substitution at nucleotide position 2056. The phenylalanine at codon 686 is replaced by leucine, an amino acid with highly similar properties. This amino acid position is conserved. In addition, this alteration is predicted to be deleterious by in silico analysis. Based on the available evidence, the clinical significance of this variant remains unclear.

Labcorp Genetics (formerly Invitae), Labcorp
Classification: Uncertain significance for Bloom syndrome. Last evaluated: 2025-04-27. Review status: criteria provided, single submitter. Criteria: Invitae Variant Classification Sherloc (09022015). Collection method: clinical testing. Allele origin: germline.
Comment: This sequence change replaces phenylalanine, which is neutral and non-polar, with leucine, which is neutral and non-polar, at codon 686 of the BLM protein (p.Phe686Leu). This variant is not present in population databases (gnomAD no frequency). This variant has not been reported in the literature in individuals affected with BLM-related conditions. ClinVar contains an entry for this variant (Variation ID: 1045628). Invitae Evidence Modeling of protein sequence and biophysical properties (such as structural, functional, and spatial information, amino acid conservation, physicochemical variation, residue mobility, and thermodynamic stability) indicates that this missense variant is expected to disrupt BLM protein function with a positive predictive value of 80%. In summary, the available evidence is currently insufficient to determine the role of this variant in disease. Therefore, it has been classified as a Variant of Uncertain Significance.

NM_000057.4(BLM):c.2056T>C (p.Phe686Leu)

Gene: BLM (BLM RecQ like helicase; plus strand). Cytogenetic location: 15q26.1.
Variant type: single nucleotide variant.
Coding change: c.2056T>C on transcript NM_000057.4 (MANE Select); coding-DNA position 2056, T replaced by C.
Protein change: p.Phe686Leu; replaces phenylalanine 686 with leucine.
Molecular consequence: missense variant.
Genome position (GRCh38, 1-based): chr15:90,763,139, T>C. VCF-style: chr15-90763139-T-C. GRCh37 (hg19) VCF-style: chr15-91306369-T-C.
Other names: c.2056T>C (NM_000057.2); c.2056T>C, p.Phe686Leu (NM_001287246.2, NM_001287247.2); c.931T>C, p.Phe311Leu (NM_001287248.2); short protein forms F686L, F311L.
Identifiers: ClinVar variation 1045628 (VCV001045628.10), dbSNP rs1896032220, ClinGen allele CA393844454.